The following is an entry in ClinVar:

NM_015426.5(POC1A):c.466G>A (p.Asp156Asn)

Gene: POC1A (POC1 centriolar protein A; minus strand). Cytogenetic location: 3p21.2.
Variant type: single nucleotide variant.
Coding change: c.466G>A on transcript NM_015426.5 (MANE Select); coding-DNA position 466, G replaced by A.
Protein change: p.Asp156Asn; replaces aspartic acid 156 with asparagine.
Molecular consequence: missense variant.
Genome position (GRCh38, 1-based): chr3:52,147,085, C>T on the plus strand (G>A on the coding strand, the complement: POC1A is on the minus strand). VCF-style: chr3-52147085-C-T. GRCh37 (hg19) VCF-style: chr3-52181101-C-T.
Other names: c.466G>A, p.Asp156Asn (NM_001161580.2); c.352G>A, p.Asp118Asn (NM_001161581.2); c.466G>A (NM_015426.4); short protein forms D118N, D156N.
Identifiers: ClinVar variation 1357483 (VCV001357483.7), dbSNP rs780253447, ClinGen allele CA2429616.

ClinVar aggregate classification (germline): Uncertain significance. Review status: criteria provided, multiple submitters, no conflicts (2 of 4 stars). 2 submissions from 2 submitters: Uncertain significance (2). Last evaluated 2022-10-26.

Conditions:
Inborn genetic diseases. Identifiers: MedGen C0950123, MeSH D030342.

Allele frequency attached by ClinVar (database versions not stated): ExAC 0.00001; gnomAD exomes 0.00002 and 0.00003; gnomAD 0.00007.

Submissions (2):

Ambry Genetics
Classification: Uncertain significance for Inborn genetic diseases. Last evaluated: 2022-10-26. Review status: criteria provided, single submitter. Criteria: Ambry Variant Classification Scheme 2023. Collection method: clinical testing. Allele origin: germline.

Labcorp Genetics (formerly Invitae), Labcorp
Classification: Uncertain significance. Last evaluated: 2022-06-22. Review status: criteria provided, single submitter. Criteria: Invitae Variant Classification Sherloc (09022015). Collection method: clinical testing. Allele origin: germline.
Comment: In summary, the available evidence is currently insufficient to determine the role of this variant in disease. Therefore, it has been classified as a Variant of Uncertain Significance. Algorithms developed to predict the effect of missense changes on protein structure and function are either unavailable or do not agree on the potential impact of this missense change (SIFT: "Not Available"; PolyPhen-2: "Probably Damaging"; Align-GVGD: "Not Available"). This variant has not been reported in the literature in individuals affected with POC1A-related conditions. This variant is present in population databases (rs780253447, gnomAD 0.03%). This sequence change replaces aspartic acid, which is acidic and polar, with asparagine, which is neutral and polar, at codon 156 of the POC1A protein (p.Asp156Asn).